The following is an entry in ClinVar:

ClinVar aggregate classification (germline): Likely benign. Review status: criteria provided, multiple submitters, no conflicts (2 of 4 stars). 4 submissions from 4 submitters: Likely benign (2). 2 of the submissions do not count toward it. Last evaluated 2016-06-01.

Conditions:
AGTR2-related disorder. Also called: AGTR2-related condition.

Submissions (4):

Eurofins Ntd Llc (ga)
Classification: Likely benign. Last evaluated: 2016-06-01. Review status: criteria provided, single submitter. Criteria: EGL Classification Definitions 2015. Collection method: clinical testing. Allele origin: germline. Observed: 1 variant allele, 1 heterozygote.

GeneDx
Classification: Likely benign. Last evaluated: 2015-03-03. Review status: criteria provided, single submitter. Criteria: GeneDx Variant Classification Process June 2021. Collection method: clinical testing. Allele origin: germline. Affected: yes.
Comment: See Variant Classification Assertion Criteria.

PreventionGenetics, part of Exact Sciences
Classification: Likely benign for AGTR2-related condition. Last evaluated: 2019-03-28. Review status: no assertion criteria provided. Collection method: clinical testing. Allele origin: germline. Not counted in ClinVar's aggregate classification.
Comment: This variant is classified as likely benign based on ACMG/AMP sequence variant interpretation guidelines (Richards et al. 2015 PMID: 25741868, with internal and published modifications).

OMIM
Classification: Uncertain significance for RECLASSIFIED - VARIANT OF UNKNOWN SIGNIFICANCE. Last evaluated: 2013-08-08. Review status: no assertion criteria provided. Collection method: literature only. Allele origin: germline. Not counted in ClinVar's aggregate classification.

Literature cited by the submitters: PubMed 12089445 (cited by Eurofins Ntd Llc (ga) and OMIM); PubMed 16283672 (cited by Eurofins Ntd Llc (ga) and OMIM); PubMed 23871722 (cited by OMIM).

NM_000686.5(AGTR2):c.402del (p.Phe134fs)

Gene: AGTR2 (angiotensin II receptor type 2; plus strand). Cytogenetic location: Xq23.
Variant type: Deletion.
Coding change: c.402del on transcript NM_000686.5 (MANE Select); coding-DNA position 402, one base deleted (T; older notation c.402delT).
Protein change: p.Phe134fs; shifts the reading frame from phenylalanine 134.
Molecular consequence: frameshift variant.
Genome position (GRCh38, 1-based): chrX:116,172,682, T deleted; the last of 8 consecutive T bases (chrX:116,172,675-116,172,682); deleting any one gives the same sequence. VCF-style (leftmost placement, unchanged base first): chrX-116172674-AT-A. GRCh37 (hg19) VCF-style: chrX-115303927-AT-A.
Other names: c.402delT (NM_000686.4); short protein forms F134fs.
Identifiers: ClinVar variation 11717 (VCV000011717.10), dbSNP rs387906503, ClinGen allele CA229236.
Genomic context (GRCh38, chrX:116,172,674, plus strand): 5'-TTTGGACCTGTGATGTGCAAAGTTTTTGGTTCTTTTCTTACCCTGAACATGTTTGCAAGC[AT>A]TTTTTTTATCACCTGCATGAGTGTTGATAGGTACCAATCTGTCATCTACCCCTTTCTGTC-3'